The following is an entry in ClinVar:

NM_004168.4(SDHA):c.1240C>G (p.Pro414Ala)

Gene: SDHA (succinate dehydrogenase complex flavoprotein subunit A; plus strand). Cytogenetic location: 5p15.33.
Variant type: single nucleotide variant.
Coding change: c.1240C>G on transcript NM_004168.4 (MANE Select); coding-DNA position 1240, C replaced by G.
Protein change: p.Pro414Ala; replaces proline 414 with alanine.
Molecular consequence: missense variant.
Genome position (GRCh38, 1-based): chr5:235,319, C>G. VCF-style: chr5-235319-C-G. GRCh37 (hg19) VCF-style: chr5-235434-C-G.
Other names: c.1096C>G, p.Pro366Ala (NM_001294332.2); c.1240C>G, p.Pro414Ala (NM_001330758.2); short protein forms P366A, P414A.
Identifiers: ClinVar variation 1499149 (VCV001499149.8), dbSNP rs1735708028, ClinGen allele CA359013738.

ClinVar aggregate classification (germline): Uncertain significance (1 of 4 stars; one submission).

Conditions:
Mitochondrial complex II deficiency, nuclear type 1. Also called: SUCCINATE CoQ REDUCTASE DEFICIENCY. Identifiers: Orphanet 3208, MedGen C5700310, MONDO:0100294, OMIM 252011.
Pheochromocytoma/paraganglioma syndrome 5. Also called: Paragangliomas 5; SDHA-Related Hereditary Paraganglioma-Pheochromocytoma Syndrome. Identifiers: Orphanet 29072, MedGen C3279992, MONDO:0013602, OMIM 614165.

Submission:

Labcorp Genetics (formerly Invitae), Labcorp
Classification: Uncertain significance for Pheochromocytoma/paraganglioma syndrome 5; Mitochondrial complex II deficiency, nuclear type 1. Last evaluated: 2021-04-20. Review status: criteria provided, single submitter. Criteria: Invitae Variant Classification Sherloc (09022015). Collection method: clinical testing. Allele origin: germline.
Comment: This variant is not present in population databases (ExAC no frequency). This sequence change replaces proline with alanine at codon 414 of the SDHA protein (p.Pro414Ala). The proline residue is highly conserved and there is a small physicochemical difference between proline and alanine. This variant has not been reported in the literature in individuals with SDHA-related conditions. In summary, the available evidence is currently insufficient to determine the role of this variant in disease. Therefore, it has been classified as a Variant of Uncertain Significance. Algorithms developed to predict the effect of missense changes on protein structure and function (SIFT, PolyPhen-2, Align-GVGD) all suggest that this variant is likely to be disruptive, but these predictions have not been confirmed by published functional studies and their clinical significance is uncertain.